The following is an entry in ClinVar:

NM_006231.4(POLE):c.6665T>C (p.Leu2222Pro)

Gene: POLE (DNA polymerase epsilon, catalytic subunit; minus strand). Cytogenetic location: 12q24.33.
Variant type: single nucleotide variant.
Coding change: c.6665T>C on transcript NM_006231.4 (MANE Select); coding-DNA position 6665, T replaced by C.
Protein change: p.Leu2222Pro; replaces leucine 2222 with proline.
Molecular consequence: missense variant.
Genome position (GRCh38, 1-based): chr12:132,624,987, A>G on the plus strand (T>C on the coding strand, the complement: POLE is on the minus strand). VCF-style: chr12-132624987-A-G. GRCh37 (hg19) VCF-style: chr12-133201573-A-G.
Other names: c.6665T>C (NM_006231.2); short protein forms L2222P.
Identifiers: ClinVar variation 572579 (VCV000572579.13), dbSNP rs1566307264, ClinGen allele CA387366270.

ClinVar aggregate classification (germline): Uncertain significance. Review status: criteria provided, multiple submitters, no conflicts (2 of 4 stars). 2 submissions from 2 submitters: Uncertain significance (2). Last evaluated 2024-08-21.

Conditions:
Hereditary cancer-predisposing syndrome. Also called: Neoplastic Syndromes, Hereditary; Hereditary Cancer Syndrome; Tumor predisposition; Hereditary neoplastic syndrome. Identifiers: Orphanet 140162, MedGen C0027672, MeSH D009386, MONDO:0015356.

Submissions (2):

Ambry Genetics
Classification: Uncertain significance for Hereditary cancer-predisposing syndrome. Last evaluated: 2024-08-21. Review status: criteria provided, single submitter. Criteria: Ambry Variant Classification Scheme 2023. Collection method: clinical testing. Allele origin: germline.

Labcorp Genetics (formerly Invitae), Labcorp
Classification: Uncertain significance. Last evaluated: 2022-09-14. Review status: criteria provided, single submitter. Criteria: Invitae Variant Classification Sherloc (09022015). Collection method: clinical testing. Allele origin: germline.
Comment: This sequence change replaces leucine, which is neutral and non-polar, with proline, which is neutral and non-polar, at codon 2222 of the POLE protein (p.Leu2222Pro). This variant is not present in population databases (gnomAD no frequency). This variant has not been reported in the literature in individuals affected with POLE-related conditions. ClinVar contains an entry for this variant (Variation ID: 572579). Advanced modeling of protein sequence and biophysical properties (such as structural, functional, and spatial information, amino acid conservation, physicochemical variation, residue mobility, and thermodynamic stability) performed at Invitae indicates that this missense variant is not expected to disrupt POLE protein function. In summary, the available evidence is currently insufficient to determine the role of this variant in disease. Therefore, it has been classified as a Variant of Uncertain Significance.